The following is an entry in ClinVar:

ClinVar aggregate classification (germline): Benign. Review status: criteria provided, multiple submitters, no conflicts (2 of 4 stars). 14 submissions from 13 submitters: Benign (11). 3 of the submissions do not count toward it. Last evaluated 2026-02-04.

Conditions:
ALG9 congenital disorder of glycosylation (CDG1L). Also called: CONGENITAL DISORDER OF GLYCOSYLATION, TYPE Il; ALG9-CDG; CDG Il. Identifiers: Orphanet 79328, MedGen C2931006, MONDO:0012117, OMIM 608776.
Cutis laxa with osteodystrophy (ARCL2A). Also called: Debré-Type Cutis Laxa; CUTIS LAXA WITH CONGENITAL DISORDER OF GLYCOSYLATION; CUTIS LAXA, AUTOSOMAL RECESSIVE, TYPE IIA; CUTIS LAXA WITH BONE DYSTROPHY; CUTIS LAXA WITH GROWTH AND DEVELOPMENTAL DELAY; CUTIS LAXA WITH JOINT LAXITY AND RETARDED DEVELOPMENT. Identifiers: Orphanet 357058, MedGen C0268355, MONDO:0018163, OMIM 219200. Disease mechanism: loss of function.
Wrinkly skin syndrome (WSS). Also called: Type of Gerodermia osteodysplastica. Identifiers: Orphanet 2834, MedGen C0406587, MONDO:0010208, OMIM 278250.

Allele frequency attached by ClinVar (database versions not stated): gnomAD exomes 0.63263 and 0.68281; ESP Exome Variant Server 0.63986; gnomAD 0.66054 and 0.66560; TOPMed 0.67275; ExAC 0.67559; 1000 Genomes Project 30x 0.74656; 1000 Genomes Project 0.74980.
gnomAD v4.1: 1,025,996 of 1,611,954 alleles (64%); highest among the groups gnomAD compares: East Asian, 95%; 330,816 homozygotes.

Submissions (14):

Labcorp Genetics (formerly Invitae), Labcorp
Classification: Benign for ALG9 congenital disorder of glycosylation. Last evaluated: 2026-02-04. Review status: criteria provided, single submitter. Criteria: Invitae Variant Classification Sherloc (09022015). Collection method: clinical testing. Allele origin: germline.

Women's Health and Genetics/Laboratory Corporation of America, LabCorp
Classification: Benign. Last evaluated: 2026-01-08. Review status: criteria provided, single submitter. Criteria: LabCorp Variant Classification Summary - May 2015. Collection method: clinical testing. Allele origin: germline.

Blueprint Genetics
Classification: Benign. Last evaluated: 2024-11-27. Review status: criteria provided, single submitter. Criteria: ACMG Guidelines, 2015. Collection method: clinical testing. Allele origin: germline.

Genome-Nilou Lab
Classification: Benign for Cutis laxa with osteodystrophy. Last evaluated: 2021-07-14. Review status: criteria provided, single submitter. Criteria: ACMG Guidelines, 2015. Collection method: clinical testing. Allele origin: germline. Affected: no.

Genome-Nilou Lab
Classification: Benign for Wrinkly skin syndrome. Last evaluated: 2021-07-14. Review status: criteria provided, single submitter. Criteria: ACMG Guidelines, 2015. Collection method: clinical testing. Allele origin: germline. Affected: no.

Illumina Laboratory Services, Illumina
Classification: Benign for Cutis laxa with osteodystrophy. Last evaluated: 2018-01-13. Review status: criteria provided, single submitter. Criteria: ICSL Variant Classification Criteria 13 December 2019. Collection method: clinical testing. Allele origin: germline.
Comment: This variant was observed in the ICSL laboratory as part of a predisposition screen in an ostensibly healthy population. It had not been previously curated by ICSL or reported in the Human Gene Mutation Database (HGMD: prior to June 1st, 2018), and was therefore a candidate for classification through an automated scoring system. Utilizing variant allele frequency, disease prevalence and penetrance estimates, and inheritance mode, an automated score was calculated to assess if this variant is too frequent to cause the disease. Based on the score and internal cut-off values, a variant classified as benign is not then subjected to further curation. The score for this variant resulted in a classification of benign for this disease.

Mayo Clinic Laboratories, Mayo Clinic
Classification: Benign. Last evaluated: 2017-12-21. Review status: criteria provided, single submitter. Criteria: ACMG Guidelines, 2015. Collection method: clinical testing. Allele origin: germline. Observed: 40 variant alleles.

GeneDx
Classification: Benign. Last evaluated: 2016-01-11. Review status: criteria provided, single submitter. Criteria: GeneDx Variant Classification (06012015). Collection method: clinical testing. Allele origin: germline. Affected: yes.
Comment: This variant is considered likely benign or benign based on one or more of the following criteria: it is a conservative change, it occurs at a poorly conserved position in the protein, it is predicted to be benign by multiple in silico algorithms, and/or has population frequency not consistent with disease.

Eurofins Ntd Llc (ga)
Classification: Benign. Last evaluated: 2012-07-25. Review status: criteria provided, single submitter. Criteria: EGL Classification Definitions 2015. Collection method: clinical testing. Allele origin: germline. Observed: 61 variant alleles, 33 heterozygotes, 28 homozygotes.

Breakthrough Genomics
Classification: Benign. Review status: criteria provided, single submitter. Criteria: ACMG Guidelines, 2015. Collection method: not provided. Allele origin: germline. Inheritance: Autosomal recessive inheritance. Affected: yes.

PreventionGenetics, part of Exact Sciences
Classification: Benign. Review status: criteria provided, single submitter. Criteria: ACMG Guidelines, 2015. Collection method: clinical testing. Allele origin: germline.

Clinical Genetics DNA and cytogenetics Diagnostics Lab, Erasmus MC, Erasmus Medical Center
Classification: Benign. Review status: no assertion criteria provided. Collection method: clinical testing. Allele origin: germline. Affected: yes. Study: VKGL Data-share Consensus. Not counted in ClinVar's aggregate classification.

Diagnostic Laboratory, Department of Genetics, University Medical Center Groningen
Classification: Benign. Review status: no assertion criteria provided. Collection method: clinical testing. Allele origin: germline. Affected: yes. Study: VKGL Data-share Consensus. Not counted in ClinVar's aggregate classification.

Joint Genome Diagnostic Labs from Nijmegen and Maastricht, Radboudumc and MUMC+
Classification: Benign. Review status: no assertion criteria provided. Collection method: clinical testing. Allele origin: germline. Affected: yes. Study: VKGL Data-share Consensus. Not counted in ClinVar's aggregate classification.

NM_012463.4(ATP6V0A2):c.471T>C (p.Ser157=)

Gene: ATP6V0A2 (ATPase H+ transporting V0 subunit a2; plus strand). Cytogenetic location: 12q24.31.
Variant type: single nucleotide variant.
Coding change: c.471T>C on transcript NM_012463.4 (MANE Select); coding-DNA position 471, T replaced by C.
Protein change: p.Ser157=; no amino-acid change (serine 157 retained).
Molecular consequence: synonymous variant.
Genome position (GRCh38, 1-based): chr12:123,726,235, T>C. VCF-style: chr12-123726235-T-C. GRCh37 (hg19) VCF-style: chr12-124210782-T-C.
Other names: p.Ser157=.
Identifiers: ClinVar variation 95525 (VCV000095525.29), dbSNP rs1399961, ClinGen allele CA148599.
Genomic context (GRCh38, chr12:123,726,235, plus strand): 5'-GGTTTCATATGTTTATTTCTAGTTTGAACCCACTTATGAAGAATTCCCTTCCTTAGAGAG[T>C]GATTCTTTGTTGGATTACAGCTGTATGCAGAGGCTGGGAGCAAAACTGGGGTAGGTGACA-3'
Protein context (NP_036595.2, residues 147-167): PTYEEFPSLE[Ser157=]DSLLDYSCMQ